The following is an entry in ClinVar:

NM_021728.4(OTX2):c.713A>T (p.His238Leu)

Gene: OTX2 (orthodenticle homeobox 2; minus strand). Cytogenetic location: 14q22.3.
Variant type: single nucleotide variant.
Coding change: c.713A>T on transcript NM_021728.4 (MANE Select); coding-DNA position 713, A replaced by T.
Protein change: p.His238Leu; replaces histidine 238 with leucine.
Molecular consequence: missense variant. On other transcripts: non-coding transcript variant (2).
Genome position (GRCh38, 1-based): chr14:56,801,916, T>A on the plus strand (A>T on the coding strand, the complement: OTX2 is on the minus strand). VCF-style: chr14-56801916-T-A. GRCh37 (hg19) VCF-style: chr14-57268634-T-A.
Other names: c.713A>T (NM_021728.2); c.689A>T, p.His230Leu (NM_001270523.2, NM_001270524.2, NM_172337.3); c.713A>T, p.His238Leu (NM_001270525.2); short protein forms H230L, H238L.
Identifiers: ClinVar variation 881494 (VCV000881494.13), dbSNP rs144449264, ClinGen allele CA7200434.

ClinVar aggregate classification (germline): Uncertain significance. Review status: criteria provided, multiple submitters, no conflicts (2 of 4 stars). 6 submissions from 5 submitters: Uncertain significance (6). Last evaluated 2025-01-14.

Conditions:
Syndromic microphthalmia type 5 (MCOPS5). Also called: RETINAL DYSTROPHY, EARLY-ONSET, WITH PITUITARY DYSFUNCTION; RETINAL DYSTROPHY, EARLY-ONSET, WITHOUT PITUITARY DYSFUNCTION. Identifiers: Orphanet 178364, MedGen C1864690, MONDO:0012413, OMIM 610125.
Pituitary hormone deficiency, combined, 6. Identifiers: MedGen C3151440, MONDO:0013518, OMIM 613986.
Anophthalmia-microphthalmia syndrome. Also called: Anophthalmia/Microphthalmia; Anophthalmia - microphthalmia. Identifiers: Orphanet 98555, MedGen C5680330, MONDO:0020147.

Allele frequency attached by ClinVar (database versions not stated): TOPMed 0.00002; gnomAD 0.00003; ESP Exome Variant Server 0.00008.
gnomAD v4.1: 52 of 1,614,108 alleles (0.0032%); highest among the groups gnomAD compares: Non-Finnish European, 0.0042%; no homozygotes.

Submissions (6):

GeneDx
Classification: Uncertain significance. Last evaluated: 2025-01-14. Review status: criteria provided, single submitter. Criteria: GeneDx Variant Classification Process June 2021. Collection method: clinical testing. Allele origin: germline. Affected: yes.
Comment: Not observed at significant frequency in large population cohorts (gnomAD); In silico analysis supports that this missense variant has a deleterious effect on protein structure/function; This variant is associated with the following publications: (PMID: Moreira2012[Abstract], 33950863, 38464967)

Labcorp Genetics (formerly Invitae), Labcorp
Classification: Uncertain significance for Anophthalmia-microphthalmia syndrome. Last evaluated: 2024-08-31. Review status: criteria provided, single submitter. Criteria: Invitae Variant Classification Sherloc (09022015). Collection method: clinical testing. Allele origin: germline.
Comment: This sequence change replaces histidine, which is basic and polar, with leucine, which is neutral and non-polar, at codon 230 of the OTX2 protein (p.His230Leu). This variant is present in population databases (rs144449264, gnomAD 0.003%). This variant has not been reported in the literature in individuals affected with OTX2-related conditions. ClinVar contains an entry for this variant (Variation ID: 881494). An algorithm developed to predict the effect of missense changes on protein structure and function (PolyPhen-2) suggests that this variant is likely to be disruptive. In summary, the available evidence is currently insufficient to determine the role of this variant in disease. Therefore, it has been classified as a Variant of Uncertain Significance.

Blueprint Genetics
Classification: Uncertain significance. Last evaluated: 2022-06-10. Review status: criteria provided, single submitter. Criteria: ACMG Guidelines, 2015. Collection method: clinical testing. Allele origin: germline.

Mendelics
Classification: Uncertain significance. Last evaluated: 2022-05-04. Review status: criteria provided, single submitter. Criteria: Mendelics Assertion Criteria 2019. Collection method: clinical testing. Allele origin: germline.

Illumina Laboratory Services, Illumina
Classification: Uncertain significance for Syndromic microphthalmia type 5. Last evaluated: 2017-04-27. Review status: criteria provided, single submitter. Criteria: ICSL Variant Classification Criteria 13 December 2019. Collection method: clinical testing. Allele origin: germline.

Illumina Laboratory Services, Illumina
Classification: Uncertain significance for Pituitary hormone deficiency, combined, 6. Last evaluated: 2017-04-27. Review status: criteria provided, single submitter. Criteria: ICSL Variant Classification Criteria 13 December 2019. Collection method: clinical testing. Allele origin: germline.